The following is an entry in ClinVar:

NM_007294.4(BRCA1):c.85G>T (p.Glu29Ter)

Gene: BRCA1 (BRCA1 DNA repair associated; minus strand). Cytogenetic location: 17q21.31.
Variant type: single nucleotide variant.
Coding change: c.85G>T on transcript NM_007294.4 (MANE Select); coding-DNA position 85, G replaced by T.
Protein change: p.Glu29Ter; replaces glutamic acid 29 with a stop codon.
Molecular consequence: nonsense. On other transcripts: non-coding transcript variant (1), intron variant (1).
Genome position (GRCh38, 1-based): chr17:43,115,775, C>A on the plus strand (G>T on the coding strand, the complement: BRCA1 is on the minus strand). VCF-style: chr17-43115775-C-A. GRCh37 (hg19) VCF-style: chr17-41267792-C-A.
Other names: 204G>T; c.-57G>T (NM_001408500.1, NM_001408503.1, NM_001408504.1 and 47 more transcripts); c.-173G>T (NM_001408501.1, NM_001407694.1, NM_001407696.1 and 13 more transcripts); c.-104G>T (NM_001408502.1, NM_001408506.1, NM_001408507.1 and 52 more transcripts); c.-219G>T (NM_001408510.1, NM_001408512.1, NM_001407960.1 and 1 more transcripts); c.85G>T, p.Glu29Ter (NM_007298.4, NM_007299.4, NM_007300.4 and 192 more transcripts); c.-8+8242G>T (NM_007297.4); c.-177G>T (NM_001407695.1, NM_001408465.1); and 3 more; short protein forms E29*.
Identifiers: ClinVar variation 37707 (VCV000037707.44), dbSNP rs80357443, ClinGen allele CA003943.
Genomic context (GRCh38, chr17:43,115,775, plus strand): 5'-TTCAAACTTACTTGCAAAATATGTGGTCACACTTTGTGGAGACAGGTTCCTTGATCAACT[C>A]CAGACTAGCAGGGTAGGGGGGGAGAAAAAGAAAATAAATGAGGCTCAATAATTTATTTAA-3'

ClinVar aggregate classification (germline): Pathogenic. Review status: reviewed by expert panel (3 of 4 stars). 9 submissions from 9 submitters: Pathogenic (1). 8 of the submissions do not count toward it. Last evaluated 2016-09-08.

Conditions:
Hereditary cancer-predisposing syndrome. Also called: Tumor predisposition; Neoplastic Syndromes, Hereditary; Hereditary Cancer Syndrome; Hereditary neoplastic syndrome. Identifiers: Orphanet 140162, MedGen C0027672, MeSH D009386, MONDO:0015356.
Hereditary breast ovarian cancer syndrome. Also called: Hereditary breast and ovarian cancer syndrome (HBOC); Hereditary breast and ovarian cancer syndrome; Hereditary breast and ovarian cancer; Hereditary breast and/or ovarian cancer syndrome; Breast and ovarian cancer; BRCA1- and BRCA2-Associated Hereditary Breast and Ovarian Cancer. Identifiers: Orphanet 145, MedGen C0677776, MeSH D061325, MONDO:0003582. Disease mechanism: loss of function.
Breast-ovarian cancer, familial, susceptibility to, 1 (BROVCA1). Also called: OVARIAN CANCER, SUSCEPTIBILITY TO; BRCA1 Hereditary Breast and Ovarian Cancer. Identifiers: Orphanet 145, MedGen C2676676, MONDO:0011450, OMIM 604370. Disease mechanism: loss of function.

Submissions (10):

Evidence-based Network for the Interpretation of Germline Mutant Alleles (ENIGMA)
Classification: Pathogenic for Breast-ovarian cancer, familial, susceptibility to, 1. Last evaluated: 2016-09-08. Review status: reviewed by expert panel. Criteria: ENIGMA BRCA1/2 Classification Criteria (2015). Collection method: curation. Allele origin: germline.
Comment: Variant allele predicted to encode a truncated non-functional protein.

Ambry Genetics
Classification: Pathogenic for Hereditary cancer-predisposing syndrome. Last evaluated: 2026-04-22. Review status: criteria provided, single submitter. Criteria: Ambry Variant Classification Scheme 2023. Collection method: clinical testing. Allele origin: germline. Not counted in ClinVar's aggregate classification.
Comment: The p.E29* pathogenic mutation (also known as c.85G>T), located in coding exon 2 of the BRCA1 gene, results from a G to T substitution at nucleotide position 85. This changes the amino acid from a glutamic acid to a stop codon within coding exon 2. Functional studies assessing BARD1 binding ability and haploid cell survival found this nucleotide substitution is non-functional (Starita LM et al. Genetics, 2015 Jun;200:413-22; Findlay GM et al. Nature, 2018 Oct;562:217-222). This variant is considered to be rare based on population cohorts in the Genome Aggregation Database (gnomAD). This alteration is expected to result in loss of function by premature protein truncation or nonsense-mediated mRNA decay. As such, this alteration is interpreted as a disease-causing mutation.

Labcorp Genetics (formerly Invitae), Labcorp
Classification: Pathogenic for Hereditary breast ovarian cancer syndrome. Last evaluated: 2025-12-15. Review status: criteria provided, single submitter. Criteria: Invitae Variant Classification Sherloc (09022015). Collection method: clinical testing. Allele origin: germline. Not counted in ClinVar's aggregate classification.
Comment: This sequence change creates a premature translational stop signal (p.Glu29*) in the BRCA1 gene. It is expected to result in an absent or disrupted protein product. Loss-of-function variants in BRCA1 are known to be pathogenic (PMID: 20104584). This variant is not present in population databases (gnomAD no frequency). This premature translational stop signal has been observed in individual(s) with breast cancer (PMID: 21233401). This variant is also known as 204G>T. ClinVar contains an entry for this variant (Variation ID: 37707). For these reasons, this variant has been classified as Pathogenic.

GeneDx
Classification: Pathogenic. Last evaluated: 2025-06-11. Review status: criteria provided, single submitter. Criteria: GeneDx Variant Classification Process June 2021. Collection method: clinical testing. Allele origin: germline. Affected: yes. Not counted in ClinVar's aggregate classification.
Comment: Nonsense variant predicted to result in protein truncation or nonsense mediated decay in a gene for which loss of function is a known mechanism of disease; Published functional studies demonstrate a damaging effect with reduced binding to BARD1 and E3-auto-ubiquination compared to wild type (PMID: 25823446); Not observed at significant frequency in large population cohorts (gnomAD); Truncating variants in this gene are considered pathogenic by a well-established clinical consortium and/or database; Reported in an individual with triple-negative breast cancer (PMID: 21233401); Also known as 204G>T; This variant is associated with the following publications: (PMID: 29446198, 25525159, 30209399, 20215511, 24389207, 8944023, 15343273, 20104584, 19369211, 25348405, 36329109, 21233401, 25823446)

Genetics Program, Instituto Nacional de Cancer
Classification: Pathogenic for Hereditary breast ovarian cancer syndrome. Last evaluated: 2021-11-01. Review status: criteria provided, single submitter. Criteria: ACMG Guidelines, 2015. Collection method: research. Allele origin: germline. Affected: yes. Not counted in ClinVar's aggregate classification.

Quest Diagnostics Nichols Institute San Juan Capistrano
Classification: Pathogenic. Last evaluated: 2020-10-03. Review status: criteria provided, single submitter. Criteria: Quest Diagnostics criteria. Collection method: clinical testing. Allele origin: unknown. Not counted in ClinVar's aggregate classification.
Comment: This nonsense variant causes the premature termination of BRCA1 protein synthesis. In addition, it has been reported in individuals and families affected with breast/ovarian cancer in the published literature (PMID: 21233401 (2011), 29446198 (2018)). One study showed this variant caused loss of function in a large-scale study using a haploid cell line (PMID: 30209399 (2018)). This variant has not been reported in large, multi-ethnic general populations. Therefore, the variant is classified as pathogenic.

Consortium of Investigators of Modifiers of BRCA1/2 (CIMBA), c/o University of Cambridge
Classification: Pathogenic for Breast-ovarian cancer, familial, susceptibility to, 1. Last evaluated: 2015-10-02. Review status: criteria provided, single submitter. Criteria: CIMBA Mutation Classification guidelines May 2016. Collection method: clinical testing. Allele origin: germline. Not counted in ClinVar's aggregate classification.

Sharing Clinical Reports Project (SCRP)
Classification: Pathogenic for Breast-ovarian cancer, familial 1. Last evaluated: 2010-11-19. Review status: no assertion criteria provided. Collection method: clinical testing. Allele origin: germline. Not counted in ClinVar's aggregate classification.

Breast Cancer Information Core (BIC) (BRCA1)
Classification: Pathogenic for Breast-ovarian cancer, familial 1. Last evaluated: 2004-02-20. Review status: no assertion criteria provided. Collection method: clinical testing. Allele origin: germline. Affected: yes. Observed: 1 variant allele. Not counted in ClinVar's aggregate classification.

Brotman Baty Institute, University of Washington
No classification provided (evidence only). Condition: Breast-ovarian cancer, familial 1. Review status: no classification provided. Collection method: in vitro. Allele origin: not applicable. Functional consequence: functionally_abnormal. Not counted in ClinVar's aggregate classification.
ClinVar note: "not provided" was previously submitted as the classification for the variant. However, the classification appeared to be based only on an observation of functional data so it was converted to no classification on 2025-07-30.

Literature cited by the submitters: PubMed 25823446 (cited by Ambry Genetics); PubMed 30209399 (cited by 3 submitters); PubMed 20104584 (cited by Labcorp Genetics (formerly Invitae), Labcorp); PubMed 21233401 (cited by Labcorp Genetics (formerly Invitae), Labcorp and Quest Diagnostics Nichols Institute San Juan Capistrano); PubMed 36329109 (cited by Genetics Program, Instituto Nacional de Cancer); PubMed 29446198 (cited by Quest Diagnostics Nichols Institute San Juan Capistrano).